The following is an entry in ClinVar:

ClinVar aggregate classification (germline): Uncertain significance. Review status: criteria provided, single submitter (1 of 4 stars). 2 submissions from 2 submitters: Uncertain significance (1). 1 of the submissions does not count toward it. Last evaluated 2011-08-12.

Submissions (2):

ISCA site 17
Classification: Uncertain significance. Last evaluated: 2011-08-12. Review status: criteria provided, single submitter. Criteria: Kaminsky et al. (Genet Med. 2011). Collection method: clinical testing. Allele origin: paternal. Affected: yes. Observed: 1 variant allele.
Comment: Copy number variation identified through the course of routine clinical cytogenomic testing in postnatal populations. Clinical assertions have been curated as described in Kaminsky et al. 2011.

ISCA site 1
Classification: Likely benign. Last evaluated: 2011-05-06. Review status: no assertion criteria provided. Collection method: clinical testing. Allele origin: paternal. Affected: yes. Observed: 1 variant allele. Not counted in ClinVar's aggregate classification.
Comment: Copy number variation identified through the course of routine clinical cytogenomic testing in postnatal populations. Clinical assertions have been curated as described in Kaminsky et al. 2011.

Copy number variation identified through the course of routine clinical cytogenomic testing in postnatal populations. Clinical assertions have been curated as described in Kaminsky, et al. 2011 (PubMed 21844811). For additional ClinGen data, please see nstd37.

GRCh38/hg38 4q13.2-13.3(chr4:68852530-69850009)x3

Genes: SULT1B1 (sulfotransferase family 1B member 1; minus strand), SULT1E1 (sulfotransferase family 1E member 1; minus strand), UGT2A1 (UDP glucuronosyltransferase family 2 member A1 complex locus; minus strand), UGT2A2 (UDP glucuronosyltransferase family 2 member A2; minus strand), UGT2A3 (UDP glucuronosyltransferase family 2 member A3; minus strand) and 20 more. Cytogenetic location: 4q13.2-13.3.
Variant type: copy number gain.
Change: copy number 3 (three copies instead of two) of chr4:68,852,530-69,850,009 (997.5 kb, GRCh38 coordinates, 1-based), cytogenetic band 4q13.2-13.3.
Identifiers: ClinVar variation 160854 (VCV000160854.2).